The following is an entry in ClinVar:

NM_000052.7(ATP7A):c.3124G>A (p.Val1042Ile)

Gene: ATP7A (ATPase copper transporting alpha; plus strand). Cytogenetic location: Xq21.1.
Variant type: single nucleotide variant.
Coding change: c.3124G>A on transcript NM_000052.7 (MANE Select); coding-DNA position 3124, G replaced by A.
Protein change: p.Val1042Ile; replaces valine 1042 with isoleucine.
Molecular consequence: missense variant. On other transcripts: non-coding transcript variant (1).
Genome position (GRCh38, 1-based): chrX:78,031,412, G>A. VCF-style: chrX-78031412-G-A. GRCh37 (hg19) VCF-style: chrX-77286910-G-A.
Other names: c.2890G>A, p.Val964Ile (NM_001282224.2); short protein forms V1042I, V964I.
Identifiers: ClinVar variation 5036677 (VCV005036677.1).
Genomic context (GRCh38, chrX:78,031,412, plus strand): 5'-AGGTGATGTGGAGGATCATCAAGTCATTGTATCTTAATTTTTTTACAGGTAAAGGTAGTG[G>A]TATTTGATAAGACTGGAACCATTACTCACGGAACCCCAGTGGTGAATCAAGTAAAGGTTC-3'
Protein context (NP_000043.4, residues 1032-1052): LEMAHKVKVV[Val1042Ile]FDKTGTITHG

ClinVar aggregate classification (germline): Likely benign (1 of 4 stars; one submission).

Conditions:
Menkes kinky-hair syndrome (MNK). Also called: Copper transport disease; Menkes Disease; Classic Menkes Disease. Identifiers: Orphanet 565, MedGen C0022716, MONDO:0010651, OMIM 309400.

gnomAD v4.1: 1 of 1,210,114 alleles (0.000083%); highest among the groups gnomAD compares: South Asian, 0.0018%; no homozygotes.

Submission:

Centre for Medical Genetics,  Mumbai
Classification: Likely benign for Menkes kinky-hair syndrome. Last evaluated: 2026-06-10. Review status: criteria provided, single submitter. Criteria: ACMG Guidelines, 2015. Collection method: provider interpretation. Allele origin: germline. Inheritance: X-linked recessive inheritance. Affected: no. Observed: 1 variant allele, 1 homozygote.
Comment: The variant satisfies PM2 criteria - extremely low frequency in gnomAD population databases. The variant satisfies PM1 criteria - non-truncating non-synonymous variant is located in a mutational hot spot and/or critical and well-established functional domain. However, the variant satisfies BS2 criteria - present in homozygous state in an individual that clinically does not have Menkes disease.

Literature cited by the submitters: PubMed 8490659.